The following is an entry in ClinVar:

NM_001849.4(COL6A2):c.757G>A (p.Glu253Lys)

Gene: COL6A2 (collagen type VI alpha 2 chain; plus strand). Cytogenetic location: 21q22.3.
Variant type: single nucleotide variant.
Coding change: c.757G>A on transcript NM_001849.4 (MANE Select); coding-DNA position 757, G replaced by A.
Protein change: p.Glu253Lys; replaces glutamic acid 253 with lysine.
Molecular consequence: missense variant.
Genome position (GRCh38, 1-based): chr21:46,114,029, G>A. VCF-style: chr21-46114029-G-A. GRCh37 (hg19) VCF-style: chr21-47533943-G-A.
Other names: c.757G>A, p.Glu253Lys (NM_058174.3, NM_058175.3); short protein forms E253K.
Identifiers: ClinVar variation 2000643 (VCV002000643.4), dbSNP rs2516992866, ClinGen allele CA410523451.

ClinVar aggregate classification (germline): Uncertain significance (1 of 4 stars; one submission).

Conditions:
Bethlem myopathy 1A. Also called: MYOPATHY, BENIGN CONGENITAL, WITH CONTRACTURES; Bethlem myopathy 1; Bethlem Muscular Dystrophy. Identifiers: Orphanet 610, MedGen CN029274, MONDO:0024530, OMIM 158810.

Submission:

Labcorp Genetics (formerly Invitae), Labcorp
Classification: Uncertain significance for Bethlem myopathy 1A. Last evaluated: 2022-07-30. Review status: criteria provided, single submitter. Criteria: Invitae Variant Classification Sherloc (09022015). Collection method: clinical testing. Allele origin: germline.
Comment: This sequence change replaces glutamic acid, which is acidic and polar, with lysine, which is basic and polar, at codon 253 of the COL6A2 protein (p.Glu253Lys). This variant is not present in population databases (gnomAD no frequency). This variant has not been reported in the literature in individuals affected with COL6A2-related conditions. Advanced modeling of protein sequence and biophysical properties (such as structural, functional, and spatial information, amino acid conservation, physicochemical variation, residue mobility, and thermodynamic stability) performed at Invitae indicates that this missense variant is not expected to disrupt COL6A2 protein function. In summary, the available evidence is currently insufficient to determine the role of this variant in disease. Therefore, it has been classified as a Variant of Uncertain Significance.